The following is an entry in ClinVar:

NM_005609.4(PYGM):c.848A>G (p.Asn283Ser)

Gene: PYGM (glycogen phosphorylase, muscle associated; minus strand). Cytogenetic location: 11q13.1.
Variant type: single nucleotide variant.
Coding change: c.848A>G on transcript NM_005609.4 (MANE Select); coding-DNA position 848, A replaced by G.
Protein change: p.Asn283Ser; replaces asparagine 283 with serine.
Molecular consequence: missense variant.
Genome position (GRCh38, 1-based): chr11:64,755,280, T>C on the plus strand (A>G on the coding strand, the complement: PYGM is on the minus strand). VCF-style: chr11-64755280-T-C. GRCh37 (hg19) VCF-style: chr11-64522752-T-C.
Other names: c.584A>G, p.Asn195Ser (NM_001164716.1); short protein forms N283S, N195S.
Identifiers: ClinVar variation 167552 (VCV000167552.49), dbSNP rs114468011, ClinGen allele CA234752.
Genomic context (GRCh38, chr11:64,755,280, plus strand): 5'-CCCCTGCTGCCAAGGACTCAGGCTTCCAGCCCCCAGCCCAGGGGGTGACGCACATTATCA[T>C]TGGGGTACAGGACACGAGAGATGTTCTCCGCCAGGTTTCGGTCCAACACAGCCTGGATGT-3'
Protein context (NP_005600.1, residues 273-293): AENISRVLYP[Asn283Ser]DNFFEGKELR

ClinVar aggregate classification (germline): Conflicting classifications of pathogenicity. Review status: criteria provided, conflicting classifications (1 of 4 stars). 10 submissions from 10 submitters: Uncertain significance (4); Likely benign (4). 2 of the submissions do not count toward it. Last evaluated 2026-01-26.

Conditions:
PYGM-related disorder. Also called: PYGM-related condition.
Glycogen storage disease, type V (GSD5). Also called: MCARDLE DISEASE; McArdle type glycogen storage disease; MUSCLE GLYCOGEN PHOSPHORYLASE DEFICIENCY; MYOPHOSPHORYLASE DEFICIENCY; PYGM DEFICIENCY. Identifiers: Orphanet 368, MedGen C0017924, MONDO:0009293, OMIM 232600.

Allele frequency attached by ClinVar (database versions not stated): 1000 Genomes Project 30x 0.00062; TOPMed 0.00068; 1000 Genomes Project 0.00080; gnomAD 0.00082 and 0.00081; ESP Exome Variant Server 0.00108; gnomAD exomes 0.00121 and 0.00133; ExAC 0.00170.
gnomAD v4.1: 1,892 of 1,613,688 alleles (0.12%); highest among the groups gnomAD compares: Non-Finnish European, 0.13%; 6 homozygotes.

Submissions (10):

Labcorp Genetics (formerly Invitae), Labcorp
Classification: Likely benign for Glycogen storage disease, type V. Last evaluated: 2026-01-26. Review status: criteria provided, single submitter. Criteria: Invitae Variant Classification Sherloc (09022015). Collection method: clinical testing. Allele origin: germline.

CeGaT Center for Human Genetics Tuebingen
Classification: Likely benign. Last evaluated: 2025-07-01. Review status: criteria provided, single submitter. Criteria: CeGaT Center For Human Genetics Tuebingen Variant Classification Criteria Version 2. Collection method: clinical testing. Allele origin: germline. Affected: yes. Observed: 3 variant alleles.
Comment: PYGM: BS2

Mayo Clinic Laboratories, Mayo Clinic
Classification: Uncertain significance. Last evaluated: 2022-12-05. Review status: criteria provided, single submitter. Criteria: ACMG Guidelines, 2015. Collection method: clinical testing. Allele origin: germline. Observed: 1 variant allele.
Comment: BS2

Genome-Nilou Lab
Classification: Likely benign for Glycogen storage disease, type V. Last evaluated: 2021-05-18. Review status: criteria provided, single submitter. Criteria: ACMG Guidelines, 2015. Collection method: clinical testing. Allele origin: germline. Affected: no.

Genomic Research Center, Shahid Beheshti University of Medical Sciences
Classification: Uncertain significance for Glycogen storage disease, type V. Last evaluated: 2020-05-03. Review status: criteria provided, single submitter. Criteria: ACMG Guidelines, 2015. Collection method: clinical testing. Allele origin: unknown. Affected: yes.

GeneDx
Classification: Likely benign. Last evaluated: 2019-06-03. Review status: criteria provided, single submitter. Criteria: GeneDx Variant Classification Process June 2021. Collection method: clinical testing. Allele origin: germline. Affected: yes.

Illumina Laboratory Services, Illumina
Classification: Uncertain significance for Glycogen storage disease, type V. Last evaluated: 2018-01-13. Review status: criteria provided, single submitter. Criteria: ICSL Variant Classification Criteria 13 December 2019. Collection method: clinical testing. Allele origin: germline.

Eurofins Ntd Llc (ga)
Classification: Uncertain significance. Last evaluated: 2014-12-09. Review status: criteria provided, single submitter. Criteria: EGL Classification Definitions 2015. Collection method: clinical testing. Allele origin: germline. Observed: 2 variant alleles, 2 heterozygotes.

Natera, Inc.
Classification: Likely benign for Glycogen storage disease V. Last evaluated: 2020-09-16. Review status: no assertion criteria provided. Collection method: clinical testing. Allele origin: germline. Not counted in ClinVar's aggregate classification.

PreventionGenetics, part of Exact Sciences
Classification: Likely benign for PYGM-related condition. Last evaluated: 2020-07-08. Review status: no assertion criteria provided. Collection method: clinical testing. Allele origin: germline. Not counted in ClinVar's aggregate classification.
Comment: This variant is classified as likely benign based on ACMG/AMP sequence variant interpretation guidelines (Richards et al. 2015 PMID: 25741868, with internal and published modifications).